The following is an entry in ClinVar:

GRCh38/hg38 Xq24(chrX:119582581-119589158)x0

Genes: NKRF (NFKB repressing factor; minus strand), UBE2A (ubiquitin conjugating enzyme E2 A; plus strand). Cytogenetic location: Xq24.
Variant type: copy number loss.
Change: copy number 0 of chrX:119,582,581-119,589,158 (6.6 kb, GRCh38 coordinates, 1-based), cytogenetic band Xq24.
Identifiers: ClinVar variation 2579183 (VCV002579183.1).

ClinVar aggregate classification (germline): Pathogenic (1 of 4 stars; one submission).

Conditions:
Intellectual developmental disorder, X-linked, syndromic, Nascimento type. Also called: MENTAL RETARDATION, X-LINKED, SYNDROMIC 30; Syndromic X-linked intellectual disability Nascimento type. Identifiers: Orphanet 163956, MedGen C3275464, MONDO:0010461, OMIM 300860.

Submission:

Broad Center for Mendelian Genomics, Broad Institute of MIT and Harvard
Classification: Pathogenic for Intellectual developmental disorder, X-linked, syndromic, Nascimento type. Last evaluated: 2023-08-24. Review status: criteria provided, single submitter. Criteria: ACMG/ClinGen CNV Guidelines, 2019. Collection method: research. Allele origin: maternal. Inheritance: X-linked inheritance. Affected: yes.
Comment: The patient phenotype is nonspecific, but is consistent with cases described in the literature and/or published databases with overlapping variants. There is overlap with the 3’ end of the UBE2A gene including coding sequence. This alteration is then predicted to lead to a truncated or absent protein. The UBE2A gene is known to be haploinsufficient, and has been assessed by the ClinGen Dosage Sensitivity Working Group. In summary, this variant meets criteria to be classified as pathogenic for X-linked intellectual disability, Nascimento type. The ACMG/ClinGen evidence codes and points used in this curation are as follows: 1: 0 points, 2: 0.90 points, 3: 0 points, 4-5: 0.15 points; Total: 1.05 points; Riggs 2020 (PMID: 31690835).

Literature cited by the submitters: PubMed 34740920.